The following is an entry in ClinVar:

ClinVar aggregate classification (germline): Uncertain significance (1 of 4 stars; one submission).

Conditions:
TEK-related disorder. Also called: TEK-related condition.

gnomAD v4.1: 2 of 1,614,034 alleles (0.00012%); highest among the groups gnomAD compares: Non-Finnish European, 0.00017%; no homozygotes.

Submission:

PreventionGenetics, part of Exact Sciences
Classification: Uncertain significance for TEK-related condition. Last evaluated: 2025-08-04. Review status: criteria provided, single submitter. Criteria: ACMG Guidelines, 2015. Collection method: clinical testing. Allele origin: germline.
Comment: The TEK c.80T>C variant is predicted to result in the amino acid substitution p.Ile27Thr. To our knowledge, this variant has not been reported in the literature or in a large population database (gnomAD), indicating this variant is rare. At this time, the clinical significance of this variant is uncertain due to the absence of conclusive functional and genetic evidence.

NM_000459.5(TEK):c.80T>C (p.Ile27Thr)

Gene: TEK (TEK receptor tyrosine kinase; plus strand). Cytogenetic location: 9p21.2.
Variant type: single nucleotide variant.
Coding change: c.80T>C on transcript NM_000459.5 (MANE Select); coding-DNA position 80, T replaced by C.
Protein change: p.Ile27Thr; replaces isoleucine 27 with threonine.
Molecular consequence: missense variant. On other transcripts: intron variant (1).
Genome position (GRCh38, 1-based): chr9:27,157,858, T>C. VCF-style: chr9-27157858-T-C. GRCh37 (hg19) VCF-style: chr9-27157856-T-C.
Other names: c.80T>C, p.Ile27Thr (NM_001290077.2, NM_001375475.1, NM_001375476.1); c.53-10637T>C (NM_001290078.2); short protein forms I27T.
Identifiers: ClinVar variation 4989142 (VCV004989142.1).